The following is an entry in ClinVar:

NM_000929.3(PLA2G5):c.347A>G (p.Tyr116Cys)

Gene: PLA2G5 (phospholipase A2 group V; plus strand). Cytogenetic location: 1p36.13.
Variant type: single nucleotide variant.
Coding change: c.347A>G on transcript NM_000929.3 (MANE Select); coding-DNA position 347, A replaced by G.
Protein change: p.Tyr116Cys; replaces tyrosine 116 with cysteine.
Molecular consequence: missense variant.
Genome position (GRCh38, 1-based): chr1:20,090,622, A>G. VCF-style: chr1-20090622-A-G. GRCh37 (hg19) VCF-style: chr1-20417115-A-G.
Other names: short protein forms Y116C.
Identifiers: ClinVar variation 964607 (VCV000964607.7), dbSNP rs766190819, ClinGen allele CA658274.

ClinVar aggregate classification (germline): Uncertain significance (1 of 4 stars; one submission).

Allele frequency attached by ClinVar (database versions not stated): TOPMed below 0.00001; ExAC 0.00001; gnomAD 0.00001; gnomAD exomes 0.00001 and 0.00003.
gnomAD v4.1: 20 of 1,613,932 alleles (0.0012%); highest among the groups gnomAD compares: South Asian, 0.012%; no homozygotes.

Submission:

Labcorp Genetics (formerly Invitae), Labcorp
Classification: Uncertain significance. Last evaluated: 2025-11-19. Review status: criteria provided, single submitter. Criteria: Invitae Variant Classification Sherloc (09022015). Collection method: clinical testing. Allele origin: germline.
Comment: This sequence change replaces tyrosine, which is neutral and polar, with cysteine, which is neutral and slightly polar, at codon 116 of the PLA2G5 protein (p.Tyr116Cys). This variant is present in population databases (rs766190819, gnomAD 0.006%). This variant has not been reported in the literature in individuals affected with PLA2G5-related conditions. ClinVar contains an entry for this variant (Variation ID: 964607). An algorithm developed to predict the effect of missense changes on protein structure and function (PolyPhen-2) suggests that this variant is likely to be disruptive. In summary, the available evidence is currently insufficient to determine the role of this variant in disease. Therefore, it has been classified as a Variant of Uncertain Significance.